The following is an entry in ClinVar:

NM_032043.3(BRIP1):c.1510del (p.Ile504fs)

Gene: BRIP1 (BRCA1 interacting DNA helicase 1; minus strand). Cytogenetic location: 17q23.2.
Variant type: Deletion.
Coding change: c.1510del on transcript NM_032043.3 (MANE Select); coding-DNA position 1510, one base deleted (A; older notation c.1510delA).
Protein change: p.Ile504fs; shifts the reading frame from isoleucine 504.
Molecular consequence: frameshift variant.
Genome position (GRCh38, 1-based): chr17:61,784,388, T deleted on the plus strand (A on the coding strand, the reverse complement: BRIP1 is on the minus strand); the first of 6 consecutive T bases (chr17:61,784,388-61,784,393); deleting any one gives the same sequence. VCF-style (leftmost placement, unchanged base first): chr17-61784387-AT-A. GRCh37 (hg19) VCF-style: chr17-59861748-AT-A.
Other names: c.1510delA (NM_032043.2); short protein forms I504fs.
Identifiers: ClinVar variation 407794 (VCV000407794.22), dbSNP rs775735278, ClinGen allele CA16615848.

ClinVar aggregate classification (germline): Pathogenic. Review status: criteria provided, multiple submitters, no conflicts (2 of 4 stars). 6 submissions from 6 submitters: Pathogenic (6). Last evaluated 2025-03-17.

Conditions:
Familial cancer of breast. Also called: Hereditary breast cancer; hereditary breast carcinoma; BREAST CANCER, FAMILIAL. Identifiers: Orphanet 227535, MedGen C0346153, MONDO:0016419, OMIM 114480. Disease mechanism: loss of function.
Hereditary cancer-predisposing syndrome. Also called: Hereditary neoplastic syndrome; Neoplastic Syndromes, Hereditary; Tumor predisposition; Hereditary Cancer Syndrome. Identifiers: Orphanet 140162, MedGen C0027672, MeSH D009386, MONDO:0015356.
Fanconi anemia complementation group J. Also called: BRIP1-Related Fanconi Anemia. Identifiers: Orphanet 84, MedGen C1836860, MONDO:0012187, OMIM 609054.

Submissions (6):

Labcorp Genetics (formerly Invitae), Labcorp
Classification: Pathogenic for Familial cancer of breast; Fanconi anemia complementation group J. Last evaluated: 2025-03-17. Review status: criteria provided, single submitter. Criteria: Invitae Variant Classification Sherloc (09022015). Collection method: clinical testing. Allele origin: germline.
Comment: This sequence change creates a premature translational stop signal (p.Ile504Serfs*22) in the BRIP1 gene. It is expected to result in an absent or disrupted protein product. Loss-of-function variants in BRIP1 are known to be pathogenic (PMID: 16116423, 17033622, 21964575). This variant is not present in population databases (gnomAD no frequency). This premature translational stop signal has been observed in individual(s) with ovarian cancer (PMID: 26315354). ClinVar contains an entry for this variant (Variation ID: 407794). For these reasons, this variant has been classified as Pathogenic.

Ambry Genetics
Classification: Pathogenic for Hereditary cancer-predisposing syndrome. Last evaluated: 2023-09-01. Review status: criteria provided, single submitter. Criteria: Ambry Variant Classification Scheme 2023. Collection method: clinical testing. Allele origin: germline.
Comment: The c.1510delA pathogenic mutation, located in coding exon 10 of the BRIP1 gene, results from a deletion of one nucleotide at nucleotide position 1510, causing a translational frameshift with a predicted alternate stop codon (p.I504Sfs22). In one study, this alteration was observed in 1/3236 cases with invasive epithelial ovarian cancer and 0/3431 controls (Ramus SJ et al. J. Natl. Cancer Inst., 2015 Nov;107:). In addition to the information presented in the literature, this alteration is expected to result in loss of function by premature protein truncation or nonsense-mediated mRNA decay. As such, this alteration is interpreted as a disease-causing mutation.

Myriad Genetics, Inc.
Classification: Pathogenic for Familial cancer of breast. Last evaluated: 2023-06-02. Review status: criteria provided, single submitter. Criteria: Myriad Autosomal Dominant, Autosomal Recessive and X-Linked Classification Criteria (2023). Collection method: clinical testing. Allele origin: unknown.
Comment: This variant is considered pathogenic. This variant creates a frameshift predicted to result in premature protein truncation.

Baylor Genetics
Classification: Pathogenic for Familial cancer of breast. Last evaluated: 2023-02-20. Review status: criteria provided, single submitter. Criteria: ACMG Guidelines, 2015. Collection method: clinical testing. Allele origin: unknown.

Color Diagnostics, LLC DBA Color Health
Classification: Pathogenic for Hereditary cancer-predisposing syndrome. Last evaluated: 2021-03-22. Review status: criteria provided, single submitter. Criteria: ACMG Guidelines, 2015. Collection method: clinical testing. Allele origin: germline.
Comment: This variant deletes 1 nucleotide in exon 11 of the BRIP1 gene, creating a frameshift and premature translation stop signal. This variant is expected to result in an absent or non-functional protein product. This variant has been reported in an individual affected with ovarian cancer (PMID: 26315354). This variant has not been identified in the general population by the Genome Aggregation Database (gnomAD). Loss of BRIP1 function is a known mechanism of disease. Based on the available evidence, this variant is classified as Pathogenic.

Institute of Medical Genetics and Applied Genomics, University Hospital Tübingen
Classification: Pathogenic. Last evaluated: 2020-10-23. Review status: criteria provided, single submitter. Criteria: ACMG Guidelines, 2015. Collection method: clinical testing. Allele origin: germline. Inheritance: Unknown mechanism. Affected: yes.

Literature cited by the submitters: PubMed 16116423 (cited by Labcorp Genetics (formerly Invitae), Labcorp); PubMed 17033622 (cited by Labcorp Genetics (formerly Invitae), Labcorp); PubMed 21964575 (cited by Labcorp Genetics (formerly Invitae), Labcorp); PubMed 26315354 (cited by Labcorp Genetics (formerly Invitae), Labcorp and Ambry Genetics).